The following is an entry in ClinVar:

ClinVar aggregate classification (germline): Pathogenic (1 of 4 stars; one submission).

Conditions:
Short QT syndrome type 3. Identifiers: Orphanet 51083, MedGen C1865018, MONDO:0012314, OMIM 609622.
Andersen Tawil syndrome (LQT7). Also called: Potassium-sensitive periodic paralysis, ventricular ectopy, and dysmorphic features; ANDERSEN CARDIODYSRHYTHMIC PERIODIC PARALYSIS; LONG QT SYNDROME 7; PERIODIC PARALYSIS, POTASSIUM-SENSITIVE CARDIODYSRHYTHMIC TYPE; Andersen Syndrome. Identifiers: Orphanet 37553, MedGen C1563715, MONDO:0008222, OMIM 170390.

Submission:

Labcorp Genetics (formerly Invitae), Labcorp
Classification: Pathogenic for Short QT syndrome type 3; Andersen Tawil syndrome. Last evaluated: 2025-10-02. Review status: criteria provided, single submitter. Criteria: Invitae Variant Classification Sherloc (09022015). Collection method: clinical testing. Allele origin: germline.
Comment: This sequence change creates a premature translational stop signal (p.Glu118Argfs*26) in the KCNJ2 gene. While this is not anticipated to result in nonsense mediated decay, it is expected to disrupt the last 310 amino acid(s) of the KCNJ2 protein. This variant is not present in population databases (gnomAD no frequency). This variant has not been reported in the literature in individuals affected with KCNJ2-related conditions. This variant disrupts a region of the KCNJ2 protein in which other variant(s) (p.Gly144Ser) have been determined to be pathogenic (PMID: 11371347, 12163457, 12909315, 14522976, 22002906, 22589293). This suggests that this is a clinically significant region of the protein, and that variants that disrupt it are likely to be disease-causing. For these reasons, this variant has been classified as Pathogenic.

Literature cited by the submitters: PubMed 11371347; PubMed 12163457; PubMed 12909315; PubMed 14522976; PubMed 22002906; PubMed 22589293.

NM_000891.3(KCNJ2):c.351del (p.Glu118fs)

Gene: KCNJ2 (potassium inwardly rectifying channel subfamily J member 2; plus strand). Cytogenetic location: 17q24.3.
Variant type: Deletion.
Coding change: c.351del on transcript NM_000891.3 (MANE Select); coding-DNA position 351, one base deleted (A; older notation c.351delA).
Protein change: p.Glu118fs; shifts the reading frame from glutamic acid 118.
Molecular consequence: frameshift variant.
Genome position (GRCh38, 1-based): chr17:70,175,390, A deleted; the last of 3 consecutive A bases (chr17:70,175,388-70,175,390); deleting any one gives the same sequence. VCF-style (leftmost placement, unchanged base first): chr17-70175387-CA-C. GRCh37 (hg19) VCF-style: chr17-68171528-CA-C.
Other names: short protein forms E118fs.
Identifiers: ClinVar variation 4784294 (VCV004784294.1).